The following is an entry in ClinVar:

ClinVar aggregate classification (germline): Likely pathogenic (1 of 4 stars; one submission).

Conditions:
Cutis laxa. Identifiers: Orphanet 209, MedGen C0010495, MONDO:0016175, HP:0000973.

Allele frequency attached by ClinVar (database versions not stated): gnomAD exomes below 0.00001.
gnomAD v4.1: 5 of 1,584,324 alleles (0.00032%); highest among the groups gnomAD compares: South Asian, 0.0058%; no homozygotes.

Submission:

Women's Health and Genetics/Laboratory Corporation of America, LabCorp
Classification: Likely pathogenic for Cutis laxa. Last evaluated: 2022-11-12. Review status: criteria provided, single submitter. Criteria: LabCorp Variant Classification Summary - May 2015. Collection method: clinical testing. Allele origin: germline.
Comment: Variant summary: LTBP4 c.1516+1G>T is located in a canonical splice-site and is predicted to affect mRNA splicing resulting in a significantly altered protein due to either exon skipping, shortening, or inclusion of intronic material. Several computational tools predict a significant impact on normal splicing: Three predict the variant abolishes a canonical 5 prime splicing donor site. One predicts the variant abolishes a cryptic 3 prime acceptor site and one predicts the variant weakens the same cryptic 3 prime acceptor site. However, these predictions have yet to be confirmed by functional studies. The variant allele was found at a frequency of 5.2e-06 in 192588 control chromosomes (gnomAD). To our knowledge, no occurrence of c.1516+1G>T in individuals affected with Cutis Laxa - LTBP4 Related and no experimental evidence demonstrating its impact on protein function have been reported. No clinical diagnostic laboratories have submitted clinical-significance assessments for this variant to ClinVar after 2014. Based on the evidence outlined above, the variant was classified as likely pathogenic.

NM_001042545.2(LTBP4):c.1426+1G>T

Gene: LTBP4 (latent transforming growth factor beta binding protein 4; plus strand). Cytogenetic location: 19q13.2.
Variant type: single nucleotide variant.
Coding change: c.1426+1G>T on transcript NM_001042545.2 (MANE Select); the canonical splice donor site of the intron after coding-DNA position 1426, G replaced by T.
Molecular consequence: splice donor variant.
Genome position (GRCh38, 1-based): chr19:40,608,604, G>T. VCF-style: chr19-40608604-G-T. GRCh37 (hg19) VCF-style: chr19-41114510-G-T.
Other names: c.1516+1G>T (NM_003573.2); c.1627+1G>T (NM_001042544.1).
Identifiers: ClinVar variation 1804749 (VCV001804749.1), dbSNP rs1568404922, ClinGen allele CA405936460.
Genomic context (GRCh38, chr19:40,608,604, plus strand): 5'-GCCCTGAGCTTCCCTTGCCCAGCATCCCTGCCTGGACTGGTCCTGAGATTCCTGAATCAG[G>T]TTTGCTAGAAAGAACTGAGGGCATTGGGCCTGCAGCAGTGGCTCACGCCTGTAATCCCAG-3'